The following is an entry in ClinVar:

NM_000492.4(CFTR):c.310del (p.Arg104fs)

Gene: CFTR (CF transmembrane conductance regulator; plus strand). Cytogenetic location: 7q31.2.
Variant type: Deletion.
Coding change: c.310del on transcript NM_000492.4 (MANE Select); coding-DNA position 310, one base deleted (A; older notation c.310delA).
Protein change: p.Arg104fs; shifts the reading frame from arginine 104.
Molecular consequence: frameshift variant.
Genome position (GRCh38, 1-based): chr7:117,530,935, A deleted; the last of 2 consecutive A bases (chr7:117,530,934-117,530,935); deleting either gives the same sequence. VCF-style (leftmost placement, unchanged base first): chr7-117530933-GA-G. GRCh37 (hg19) VCF-style: chr7-117170987-GA-G.
Other names: 442delA; c.310delA (NM_000492.3, NM_000492.4); short protein forms R104fs.
Identifiers: ClinVar variation 53653 (VCV000053653.7), dbSNP rs397508499, ClinGen allele CA327048.

ClinVar aggregate classification (germline): Pathogenic. Review status: reviewed by expert panel (3 of 4 stars). 6 submissions from 6 submitters: Pathogenic (1). 5 of the submissions do not count toward it. Last evaluated 2017-03-17.

Conditions:
CFTR-related disorder (CFTR-RD). Also called: CFTR-related disorders; CFTR-related condition. Identifiers: MedGen C5924204, MONDO:7770004.
Bronchiectasis with or without elevated sweat chloride 1 (BESC1). Also called: Cystic Fibrosis-Like Syndrome. Identifiers: Orphanet 60033, MedGen C2749757, MONDO:0008887, OMIM 211400.
Hereditary pancreatitis (PCTT). Also called: PRSS1-Related Hereditary Pancreatitis; Hereditary chronic pancreatitis. Identifiers: Orphanet 676, MedGen C0238339, MONDO:0008185, OMIM 167800.
Cystic fibrosis (CF). Also called: MUCOVISCIDOSIS. Identifiers: Orphanet 586, MedGen C0010674, MONDO:0009061, OMIM 219700. Disease mechanism: loss of function.
Congenital bilateral aplasia of vas deferens from CFTR mutation (CBAVD). Identifiers: Orphanet 48, MedGen C0403814, MONDO:0010178, OMIM 277180. Disease mechanism: loss of function.

Submissions (6):

CFTR2
Classification: Pathogenic for Cystic fibrosis. Last evaluated: 2017-03-17. Review status: reviewed by expert panel. Criteria: Sosnay PR et al. (Nat Genet 2013). Collection method: research. Allele origin: germline. Affected: yes. Study: CFTR2.

Natera, Inc.
Classification: Pathogenic for CFTR-related disorders. Last evaluated: 2024-12-12. Review status: criteria provided, single submitter. Criteria: Natera Variant Classification Schema (03/2026). Collection method: clinical testing. Allele origin: germline. Not counted in ClinVar's aggregate classification.
Comment: The c.310delA variant in CFTR is a frameshift variant predicted to shift the reading frame beginning at codon 104 and leads to a stop codon 3 codons downstream. This variant is expected to result in nonsense mediated decay, truncation, or a dysfunctional protein product. This variant is rare in the general population with a frequency below the threshold expected for the associated phenotype(s). This variant has been observed in one or more individuals affected with the associated recessive disease, as either homozygous or compound heterozygous with a second variant (PMID: 7537150, 12865275). Given the available evidence, this variant is classified as Pathogenic.

ARUP Laboratories, Molecular Genetics and Genomics, ARUP Laboratories
Classification: Pathogenic for Cystic fibrosis. Last evaluated: 2024-08-09. Review status: criteria provided, single submitter. Criteria: ARUP Molecular Germline Variant Investigation Process 2024. Collection method: clinical testing. Allele origin: germline. Not counted in ClinVar's aggregate classification.
Comment: The CFTR c.310del; p.Arg104GlufsTer3 variant (rs397508499, ClinVar Variation ID: 53653), also known as 441delA in legacy nomenclature, is reported in the literature in multiple individuals affected with cystic fibrosis (CFTR2 database, Zielenski 1995). This variant is absent from the Genome Aggregation Database (v2.1.1), indicating it is not a common polymorphism. This variant causes a frameshift by deleting a single nucleotide, so it is predicted to result in a truncated protein or mRNA subject to nonsense-mediated decay. Based on available information, this variant is considered to be pathogenic. References: Link to CFTR2 database: Zielenski J et al. Identification of six mutations (R31L, 441delA, 681delC, 1461ins4, W1089R, E1104X) in the cystic fibrosis transmembrane conductance regulator (CFTR) gene. Hum Mutat. 1995;5(1):43-7. PMID: 7537150.

Women's Health and Genetics/Laboratory Corporation of America, LabCorp
Classification: Pathogenic for Cystic fibrosis. Last evaluated: 2024-06-25. Review status: criteria provided, single submitter. Criteria: LabCorp Variant Classification Summary - May 2015. Collection method: clinical testing. Allele origin: germline. Not counted in ClinVar's aggregate classification.
Comment: Variant summary: CFTR c.310delA (p.Arg104GlufsX3) results in a premature termination codon, predicted to cause a truncation of the encoded protein or absence of the protein due to nonsense mediated decay, which are commonly known mechanisms for disease. The variant was absent in 251148 control chromosomes (gnomAD). c.310delA has been reported in the literature in individuals affected with Cystic Fibrosis (e.g. Zielenski_1995). To our knowledge, no experimental evidence demonstrating an impact on protein function has been reported. The following publication have been ascertained in the context of this evaluation (PMID: 7537150). ClinVar contains an entry for this variant (Variation ID: 53653). Based on the evidence outlined above, the variant was classified as pathogenic.

Fulgent Genetics
Classification: Pathogenic for Hereditary pancreatitis; Bronchiectasis with or without elevated sweat chloride 1; Cystic fibrosis; Congenital bilateral aplasia of vas deferens from CFTR mutation. Last evaluated: 2024-04-01. Review status: criteria provided, single submitter. Criteria: ACMG Guidelines, 2015. Collection method: clinical testing. Allele origin: germline. Not counted in ClinVar's aggregate classification.

Quest Diagnostics Nichols Institute San Juan Capistrano
Classification: Pathogenic. Last evaluated: 2019-09-18. Review status: criteria provided, single submitter. Criteria: Quest Diagnostics criteria. Collection method: clinical testing. Allele origin: unknown. Not counted in ClinVar's aggregate classification.
Comment: The variant results in a shift of the reading frame, and is therefore predicted to result in the loss of a functional protein. Found in at least one patient with expected phenotype for this gene, and not found in general population data.

Literature cited by the submitters: PubMed 7537150 (cited by 3 submitters); PubMed 12865275 (cited by Natera, Inc.).